The following is an entry in ClinVar:

ClinVar aggregate classification (germline): Uncertain significance (1 of 4 stars; one submission).

Conditions:
Hereditary cancer-predisposing syndrome. Also called: Hereditary neoplastic syndrome; Neoplastic Syndromes, Hereditary; Tumor predisposition; Hereditary Cancer Syndrome. Identifiers: Orphanet 140162, MedGen C0027672, MeSH D009386, MONDO:0015356.

Submission:

Ambry Genetics
Classification: Uncertain significance for Hereditary cancer-predisposing syndrome. Last evaluated: 2019-04-12. Review status: criteria provided, single submitter. Criteria: Ambry Variant Classification Scheme 2023. Collection method: clinical testing. Allele origin: germline.
Comment: The p.E2154Q variant (also known as c.6460G>C), located in coding exon 44 of the ATM gene, results from a G to C substitution at nucleotide position 6460. The glutamic acid at codon 2154 is replaced by glutamine, an amino acid with highly similar properties. This amino acid position is highly conserved in available vertebrate species. In addition, the in silico prediction for this alteration is inconclusive. Since supporting evidence is limited at this time, the clinical significance of this alteration remains unclear.

NM_000051.4(ATM):c.6460G>C (p.Glu2154Gln)

Genes: ATM (ATM serine/threonine kinase; plus strand), C11orf65 (chromosome 11 open reading frame 65; minus strand). Cytogenetic location: 11q22.3.
Variant type: single nucleotide variant.
Coding change: c.6460G>C on transcript NM_000051.4 (MANE Select); coding-DNA position 6460, G replaced by C.
Protein change: p.Glu2154Gln; replaces glutamic acid 2154 with glutamine.
Molecular consequence: missense variant. On other transcripts: intron variant (2).
Genome position (GRCh38, 1-based): chr11:108,321,308, G>C. VCF-style: chr11-108321308-G-C. GRCh37 (hg19) VCF-style: chr11-108192035-G-C.
Other names: c.6460G>C, p.Glu2154Gln (NM_001351834.2); c.641-12237C>G (NM_001330368.2); c.*39-12237C>G (NM_001351110.2); short protein forms E2154Q.
Identifiers: ClinVar variation 1753658 (VCV001753658.2), dbSNP rs2136238537, ClinGen allele CA382553847.
Genomic context (GRCh38, chr11:108,321,308, plus strand): 5'-TCCCTGAAAACCTCTTCTTTATTTTCAGAGTGTCTTTTCTTTTTTGCTACTAGAGTAAAA[G>C]AAGTGGAAGAGATGTGTAAGCGCAGCCTTGAGTCTGTGTATTCGCTCTATCCCACACTTA-3'
Protein context (NP_000042.3, residues 2144-2164): YESLKYARVK[Glu2154Gln]VEEMCKRSLE